The following is an entry in ClinVar:

NM_000361.3(THBD):c.*759A>T

Gene: THBD (thrombomodulin; minus strand). Cytogenetic location: 20p11.21.
Variant type: single nucleotide variant.
Coding change: c.*759A>T on transcript NM_000361.3 (MANE Select); 759 bases downstream of the stop codon, A replaced by T.
Molecular consequence: 3 prime UTR variant.
Genome position (GRCh38, 1-based): chr20:23,047,018, T>A on the plus strand (A>T on the coding strand, the complement: THBD is on the minus strand). VCF-style: chr20-23047018-T-A. GRCh37 (hg19) VCF-style: chr20-23027655-T-A.
Identifiers: ClinVar variation 337865 (VCV000337865.5), dbSNP rs73611750, ClinGen allele CA10652989.

ClinVar aggregate classification (germline): Benign (1 of 4 stars; one submission).

Conditions:
Atypical hemolytic-uremic syndrome with thrombomodulin anomaly. Also called: HEMOLYTIC UREMIC SYNDROME, ATYPICAL, SUSCEPTIBILITY TO, 6; AHUS, SUSCEPTIBILITY TO, 6. Identifiers: MedGen C2752036, MONDO:0013044, OMIM 612926. Disease mechanism: gain of function.

Allele frequency attached by ClinVar (database versions not stated): 1000 Genomes Project 0.02296; gnomAD 0.00628 and 0.00717; TOPMed 0.01015; 1000 Genomes Project 30x 0.02155.

Submission:

Illumina Laboratory Services, Illumina
Classification: Benign for Atypical hemolytic-uremic syndrome with thrombomodulin anomaly. Last evaluated: 2018-01-12. Review status: criteria provided, single submitter. Criteria: ICSL Variant Classification Criteria 13 December 2019. Collection method: clinical testing. Allele origin: germline.
Comment: This variant was observed in the ICSL laboratory as part of a predisposition screen in an ostensibly healthy population. It had not been previously curated by ICSL or reported in the Human Gene Mutation Database (HGMD: prior to June 1st, 2018), and was therefore a candidate for classification through an automated scoring system. Utilizing variant allele frequency, disease prevalence and penetrance estimates, and inheritance mode, an automated score was calculated to assess if this variant is too frequent to cause the disease. Based on the score and internal cut-off values, a variant classified as benign is not then subjected to further curation. The score for this variant resulted in a classification of benign for this disease.